The following is an entry in ClinVar:

ClinVar aggregate classification (germline): Uncertain significance (1 of 4 stars; one submission).

Conditions:
Bardet-Biedl syndrome (BBS). Identifiers: Orphanet 110, MedGen C0752166, MONDO:0015229.

Submission:

Labcorp Genetics (formerly Invitae), Labcorp
Classification: Uncertain significance for Bardet-Biedl syndrome. Last evaluated: 2023-07-17. Review status: criteria provided, single submitter. Criteria: Invitae Variant Classification Sherloc (09022015). Collection method: clinical testing. Allele origin: germline.
Comment: In summary, the available evidence is currently insufficient to determine the role of this variant in disease. Therefore, it has been classified as a Variant of Uncertain Significance. Advanced modeling of protein sequence and biophysical properties (such as structural, functional, and spatial information, amino acid conservation, physicochemical variation, residue mobility, and thermodynamic stability) performed at Invitae indicates that this missense variant is not expected to disrupt BBS9 protein function. ClinVar contains an entry for this variant (Variation ID: 2108258). This variant has not been reported in the literature in individuals affected with BBS9-related conditions. This variant is not present in population databases (gnomAD no frequency). This sequence change replaces serine, which is neutral and polar, with asparagine, which is neutral and polar, at codon 349 of the BBS9 protein (p.Ser349Asn).

NM_198428.3(BBS9):c.1046G>A (p.Ser349Asn)

Gene: BBS9 (Bardet-Biedl syndrome 9; plus strand). Cytogenetic location: 7p14.3.
Variant type: single nucleotide variant.
Coding change: c.1046G>A on transcript NM_198428.3 (MANE Select); coding-DNA position 1046, G replaced by A.
Protein change: p.Ser349Asn; replaces serine 349 with asparagine.
Molecular consequence: missense variant. On other transcripts: non-coding transcript variant (3).
Genome position (GRCh38, 1-based): chr7:33,336,470, G>A. VCF-style: chr7-33336470-G-A. GRCh37 (hg19) VCF-style: chr7-33376082-G-A.
Other names: c.1046G>A, p.Ser349Asn (NM_001033604.2, NM_001033605.2, NM_001348036.1 and 7 more transcripts); c.680G>A, p.Ser227Asn (NM_001348037.3, NM_001348044.3, NM_001348045.3 and 1 more transcripts); c.773G>A, p.Ser258Asn (NM_001348038.3, NM_001348039.3); c.911G>A, p.Ser304Asn (NM_001348042.3); short protein forms S304N, S227N, S258N, S349N.
Identifiers: ClinVar variation 2108258 (VCV002108258.4), dbSNP rs1006757168, ClinGen allele CA156726913.